The following is an entry in ClinVar:

NM_000051.4(ATM):c.4374A>G (p.Gly1458=)

Gene: ATM (ATM serine/threonine kinase; plus strand). Cytogenetic location: 11q22.3.
Variant type: single nucleotide variant.
Coding change: c.4374A>G on transcript NM_000051.4 (MANE Select); coding-DNA position 4374, A replaced by G.
Protein change: p.Gly1458=; no amino-acid change (glycine 1458 retained).
Molecular consequence: synonymous variant.
Genome position (GRCh38, 1-based): chr11:108,289,739, A>G. VCF-style: chr11-108289739-A-G. GRCh37 (hg19) VCF-style: chr11-108160466-A-G.
Other names: c.4374A>G, p.Gly1458= (NM_001351834.2).
Identifiers: ClinVar variation 3254117 (VCV003254117.1), dbSNP rs2135764368.

ClinVar aggregate classification (germline): Benign (1 of 4 stars; one submission).

Conditions:
Familial cancer of breast. Also called: BREAST CANCER, FAMILIAL; Hereditary breast cancer; hereditary breast carcinoma. Identifiers: Orphanet 227535, MedGen C0346153, MONDO:0016419, OMIM 114480. Disease mechanism: loss of function.

Submission:

Myriad Genetics, Inc.
Classification: Benign for Familial cancer of breast. Last evaluated: 2024-05-17. Review status: criteria provided, single submitter. Criteria: Myriad Autosomal Dominant, Autosomal Recessive and X-Linked Classification Criteria (2023). Collection method: clinical testing. Allele origin: unknown.
Comment: This variant is considered benign. This variant is a silent/synonymous amino acid change and it is not expected to impact splicing.